The following is an entry in ClinVar:

ClinVar aggregate classification (germline): Benign/Likely benign. Review status: criteria provided, multiple submitters, no conflicts (2 of 4 stars). 15 submissions from 14 submitters: Benign (6); Likely benign (6). 3 of the submissions do not count toward it. Last evaluated 2026-01-12.

Conditions:
Inborn genetic diseases. Identifiers: MedGen C0950123, MeSH D030342.
MFN2-related disorder. Also called: MFN2-related condition; MFN2-related disorders.
Charcot-Marie-Tooth disease. Also called: Charcot-Marie-Tooth Neuropathy; Charcot-Marie-Tooth Hereditary Neuropathy. Identifiers: Orphanet 166, MedGen C0007959, MONDO:0015626.
Charcot-Marie-Tooth disease type 2. Also called: Charcot-Marie-Tooth type 2. Identifiers: Orphanet 64746, MedGen C0270914, MONDO:0018993.
Hereditary motor and sensory neuropathy with optic atrophy. Also called: CHARCOT-MARIE-TOOTH DISEASE, TYPE 6; PERIPHERAL NEUROPATHY AND OPTIC ATROPHY. Identifiers: Orphanet 90120, MedGen C0393807, MONDO:0019551.

Allele frequency attached by ClinVar (database versions not stated): 1000 Genomes Project 30x 0.00031; 1000 Genomes Project 0.00040; ExAC 0.00084; gnomAD 0.00084 and 0.00087; TOPMed 0.00095; ESP Exome Variant Server 0.00146.
gnomAD v4.1: 1,645 of 1,614,066 alleles (0.1%); highest among the groups gnomAD compares: Non-Finnish European, 0.11%; 1 homozygote.

Submissions (15):

Labcorp Genetics (formerly Invitae), Labcorp
Classification: Benign for Charcot-Marie-Tooth disease type 2. Last evaluated: 2026-01-12. Review status: criteria provided, single submitter. Criteria: Invitae Variant Classification Sherloc (09022015). Collection method: clinical testing. Allele origin: germline.

CeGaT Center for Human Genetics Tuebingen
Classification: Likely benign. Last evaluated: 2025-12-01. Review status: criteria provided, single submitter. Criteria: CeGaT Center For Human Genetics Tuebingen Variant Classification Criteria Version 2. Collection method: clinical testing. Allele origin: germline. Affected: yes. Observed: 2 variant alleles.
Comment: MFN2: BP4, BP7

Women's Health and Genetics/Laboratory Corporation of America, LabCorp
Classification: Likely benign. Last evaluated: 2025-11-18. Review status: criteria provided, single submitter. Criteria: LabCorp Variant Classification Summary - May 2015. Collection method: clinical testing. Allele origin: germline.

ARUP Laboratories, Molecular Genetics and Genomics, ARUP Laboratories
Classification: Likely benign. Last evaluated: 2025-03-13. Review status: criteria provided, single submitter. Criteria: ARUP Molecular Germline Variant Investigation Process 2024. Collection method: clinical testing. Allele origin: germline.

Mayo Clinic Laboratories, Mayo Clinic
Classification: Benign. Last evaluated: 2025-01-27. Review status: criteria provided, single submitter. Criteria: ACMG Guidelines, 2015. Collection method: clinical testing. Allele origin: germline. Observed: 5 variant alleles.
Comment: BA1, BP4, BP7

Blueprint Genetics
Classification: Likely benign. Last evaluated: 2024-11-26. Review status: criteria provided, single submitter. Criteria: ACMG Guidelines, 2015. Collection method: clinical testing. Allele origin: germline.

Ambry Genetics
Classification: Likely benign for Inborn genetic diseases. Last evaluated: 2019-07-11. Review status: criteria provided, single submitter. Criteria: Ambry Variant Classification Scheme 2023. Collection method: clinical testing. Allele origin: germline.

Athena Diagnostics
Classification: Benign. Last evaluated: 2019-01-30. Review status: criteria provided, single submitter. Criteria: Athena Diagnostics Criteria. Collection method: clinical testing. Allele origin: germline.

Illumina Laboratory Services, Illumina
Classification: Benign for Neuropathy, hereditary motor and sensory, type 6A. Last evaluated: 2018-01-13. Review status: criteria provided, single submitter. Criteria: ICSL Variant Classification Criteria 13 December 2019. Collection method: clinical testing. Allele origin: germline.
Comment: This variant was observed in the ICSL laboratory as part of a predisposition screen in an ostensibly healthy population. It had not been previously curated by ICSL or reported in the Human Gene Mutation Database (HGMD: prior to June 1st, 2018), and was therefore a candidate for classification through an automated scoring system. Utilizing variant allele frequency, disease prevalence and penetrance estimates, and inheritance mode, an automated score was calculated to assess if this variant is too frequent to cause the disease. Based on the score and internal cut-off values, a variant classified as benign is not then subjected to further curation. The score for this variant resulted in a classification of benign for this disease.

Illumina Laboratory Services, Illumina
Classification: Benign for Charcot-Marie-Tooth disease, type 2. Last evaluated: 2018-01-13. Review status: criteria provided, single submitter. Criteria: ICSL Variant Classification Criteria 13 December 2019. Collection method: clinical testing. Allele origin: germline.
Comment: the same text as in the submission from Illumina Laboratory Services, Illumina above.

GeneDx
Classification: Benign. Last evaluated: 2015-07-30. Review status: criteria provided, single submitter. Criteria: GeneDx Variant Classification (06012015). Collection method: clinical testing. Allele origin: germline. Affected: yes.
Comment: This variant is considered likely benign or benign based on one or more of the following criteria: it is a conservative change, it occurs at a poorly conserved position in the protein, it is predicted to be benign by multiple in silico algorithms, and/or has population frequency not consistent with disease.

Molecular Genetics Laboratory, London Health Sciences Centre
Classification: Likely benign for Charcot-Marie-Tooth disease. Review status: criteria provided, single submitter. Criteria: ACMG Guidelines, 2015. Collection method: clinical testing. Allele origin: germline. Affected: yes.

PreventionGenetics, part of Exact Sciences
Classification: Benign for MFN2-related condition. Last evaluated: 2022-11-29. Review status: no assertion criteria provided. Collection method: clinical testing. Allele origin: germline. Not counted in ClinVar's aggregate classification.
Comment: This variant is classified as benign based on ACMG/AMP sequence variant interpretation guidelines (Richards et al. 2015 PMID: 25741868, with internal and published modifications).

Clinical Genetics DNA and cytogenetics Diagnostics Lab, Erasmus MC, Erasmus Medical Center
Classification: Likely benign. Review status: no assertion criteria provided. Collection method: clinical testing. Allele origin: germline. Affected: yes. Study: VKGL Data-share Consensus. Not counted in ClinVar's aggregate classification.

Clinical Genetics, Academic Medical Center
Classification: Benign. Review status: no assertion criteria provided. Collection method: clinical testing. Allele origin: germline. Affected: yes. Study: VKGL Data-share Consensus. Not counted in ClinVar's aggregate classification.

NM_014874.4(MFN2):c.891C>T (p.Ala297=)

Gene: MFN2 (mitofusin 2; plus strand). Cytogenetic location: 1p36.22.
Variant type: single nucleotide variant.
Coding change: c.891C>T on transcript NM_014874.4 (MANE Select); coding-DNA position 891, C replaced by T.
Protein change: p.Ala297=; no amino-acid change (alanine 297 retained).
Molecular consequence: synonymous variant.
Genome position (GRCh38, 1-based): chr1:12,001,475, C>T. VCF-style: chr1-12001475-C-T. GRCh37 (hg19) VCF-style: chr1-12061532-C-T.
Other names: p.Ala297=; c.891C>T, p.Ala297= (NM_001127660.2).
Identifiers: ClinVar variation 292373 (VCV000292373.65), dbSNP rs11554508, ClinGen allele CA598958.